The following is an entry in ClinVar:

ClinVar aggregate classification (germline): Likely benign (0 of 4 stars; one submission).

Conditions:
UNC13A-related disorder. Also called: UNC13A-related condition.

Allele frequency attached by ClinVar (database versions not stated): gnomAD 0.00001; TOPMed 0.00006.
gnomAD v4.1: 19 of 1,596,700 alleles (0.0012%); highest among the groups gnomAD compares: Middle Eastern, 0.05%; no homozygotes.

Submission:

PreventionGenetics, part of Exact Sciences
Classification: Likely benign for UNC13A-related condition. Last evaluated: 2019-02-21. Review status: no assertion criteria provided. Collection method: clinical testing. Allele origin: germline.
Comment: This variant is classified as likely benign based on ACMG/AMP sequence variant interpretation guidelines (Richards et al. 2015 PMID: 25741868, with internal and published modifications).

NM_001080421.3(UNC13A):c.3090G>A (p.Lys1030=)

Gene: UNC13A (unc-13 homolog A; minus strand). Cytogenetic location: 19p13.11.
Variant type: single nucleotide variant.
Coding change: c.3090G>A on transcript NM_001080421.3 (MANE Select); coding-DNA position 3090, G replaced by A.
Protein change: p.Lys1030=; no amino-acid change (lysine 1030 retained).
Molecular consequence: synonymous variant.
Genome position (GRCh38, 1-based): chr19:17,636,149, C>T on the plus strand (G>A on the coding strand, the complement: UNC13A is on the minus strand). VCF-style: chr19-17636149-C-T. GRCh37 (hg19) VCF-style: chr19-17746958-C-T.
Other names: c.3084G>A, p.Lys1028= (NM_001387021.1, NM_001387022.1, NM_001387023.1).
Identifiers: ClinVar variation 3047037 (VCV003047037.2), dbSNP rs775651900, ClinGen allele CA306095877.